The following is an entry in ClinVar:

ClinVar aggregate classification (germline): Benign (1 of 4 stars; one submission).

Conditions:
Hereditary spastic paraplegia 3A (SPG3A). Also called: SPASTIC PARAPLEGIA 3, AUTOSOMAL DOMINANT; FAMILIAL SPASTIC PARAPLEGIA, AUTOSOMAL DOMINANT, 1; SPG3; STRUMPELL DISEASE; Spastic Paraplegia 3A; Spastic paraplegia 3A, autosomal dominant. Identifiers: Orphanet 100984, MedGen C2931355, MONDO:0008437, OMIM 182600.

Allele frequency attached by ClinVar (database versions not stated): gnomAD 0.00010 and 0.00146; TOPMed 0.00032; gnomAD exomes 0.00561; 1000 Genomes Project 30x 0.01280; 1000 Genomes Project 0.01378.
gnomAD v4.1: 1,736 of 428,646 alleles (0.4%); highest among the groups gnomAD compares: South Asian, 3.8%; 55 homozygotes.

Submission:

Illumina Laboratory Services, Illumina
Classification: Benign for Hereditary spastic paraplegia 3A. Last evaluated: 2018-01-12. Review status: criteria provided, single submitter. Criteria: ICSL Variant Classification Criteria 13 December 2019. Collection method: clinical testing. Allele origin: germline.
Comment: This variant was observed in the ICSL laboratory as part of a predisposition screen in an ostensibly healthy population. It had not been previously curated by ICSL or reported in the Human Gene Mutation Database (HGMD: prior to June 1st, 2018), and was therefore a candidate for classification through an automated scoring system. Utilizing variant allele frequency, disease prevalence and penetrance estimates, and inheritance mode, an automated score was calculated to assess if this variant is too frequent to cause the disease. Based on the score and internal cut-off values, a variant classified as benign is not then subjected to further curation. The score for this variant resulted in a classification of benign for this disease.

NM_015915.5(ATL1):c.*212T>A

Gene: ATL1 (atlastin GTPase 1; plus strand). Cytogenetic location: 14q22.1.
Variant type: single nucleotide variant.
Coding change: c.*212T>A on transcript NM_015915.5 (MANE Select); 212 bases downstream of the stop codon, T replaced by A.
Molecular consequence: 3 prime UTR variant.
Genome position (GRCh38, 1-based): chr14:50,632,551, T>A. VCF-style: chr14-50632551-T-A. GRCh37 (hg19) VCF-style: chr14-51099269-T-A.
Other names: c.*212T>A (NM_001127713.1, NM_181598.4).
Identifiers: ClinVar variation 313308 (VCV000313308.5), dbSNP rs372073012, ClinGen allele CA10644226.